The following is an entry in ClinVar:

ClinVar aggregate classification (germline): Likely benign. Review status: criteria provided, multiple submitters, no conflicts (2 of 4 stars). 3 submissions from 3 submitters: Likely benign (2). 1 of the submissions does not count toward it. Last evaluated 2025-01-27.

Conditions:
GPIHBP1-related disorder. Also called: GPIHBP1-related condition.
Cardiovascular phenotype. Identifiers: MedGen CN230736.

Allele frequency attached by ClinVar (database versions not stated): gnomAD 0.00005; 1000 Genomes Project 30x 0.00016; 1000 Genomes Project 0.00020; ExAC 0.00006; gnomAD exomes 0.00005; TOPMed 0.00006.

Submissions (3):

Labcorp Genetics (formerly Invitae), Labcorp
Classification: Likely benign. Last evaluated: 2025-01-27. Review status: criteria provided, single submitter. Criteria: Invitae Variant Classification Sherloc (09022015). Collection method: clinical testing. Allele origin: germline.

Ambry Genetics
Classification: Likely benign for Cardiovascular phenotype. Last evaluated: 2019-10-20. Review status: criteria provided, single submitter. Criteria: Ambry Variant Classification Scheme 2023. Collection method: clinical testing. Allele origin: germline.

PreventionGenetics, part of Exact Sciences
Classification: Likely benign for GPIHBP1-related condition. Last evaluated: 2021-10-25. Review status: no assertion criteria provided. Collection method: clinical testing. Allele origin: germline. Not counted in ClinVar's aggregate classification.
Comment: This variant is classified as likely benign based on ACMG/AMP sequence variant interpretation guidelines (Richards et al. 2015 PMID: 25741868, with internal and published modifications).

NM_178172.6(GPIHBP1):c.9G>A (p.Ala3=)

Gene: GPIHBP1 (glycosylphosphatidylinositol anchored high density lipoprotein binding protein 1; plus strand). Cytogenetic location: 8q24.3.
Variant type: single nucleotide variant.
Coding change: c.9G>A on transcript NM_178172.6 (MANE Select); coding-DNA position 9, G replaced by A.
Protein change: p.Ala3=; no amino-acid change (alanine 3 retained).
Molecular consequence: synonymous variant.
Genome position (GRCh38, 1-based): chr8:143,213,276, G>A. VCF-style: chr8-143213276-G-A. GRCh37 (hg19) VCF-style: chr8-144295151-G-A.
Other names: c.9G>A, p.Ala3= (NM_001301772.2); c.9G>A (NM_178172.5).
Identifiers: ClinVar variation 1768936 (VCV001768936.6), dbSNP rs546710267, ClinGen allele CA4906982.